The following is an entry in ClinVar:

NM_033380.3(COL4A5):c.262C>T (p.Pro88Ser)

Gene: COL4A5 (collagen type IV alpha 5 chain; plus strand). Cytogenetic location: Xq22.3.
Variant type: single nucleotide variant.
Coding change: c.262C>T on transcript NM_033380.3 (MANE Select); coding-DNA position 262, C replaced by T.
Protein change: p.Pro88Ser; replaces proline 88 with serine.
Molecular consequence: missense variant.
Genome position (GRCh38, 1-based): chrX:108,563,912, C>T. VCF-style: chrX-108563912-C-T. GRCh37 (hg19) VCF-style: chrX-107807142-C-T.
Other names: c.262C>T, p.Pro88Ser (NM_000495.5); short protein forms P88S.
Identifiers: ClinVar variation 587092 (VCV000587092.17), dbSNP rs773883586, ClinGen allele CA10488403.

ClinVar aggregate classification (germline): Conflicting classifications of pathogenicity. Review status: criteria provided, conflicting classifications (1 of 4 stars). 4 submissions from 4 submitters: Uncertain significance (1); Benign (1); Likely benign (1). 1 of the submissions does not count toward it. Last evaluated 2026-01-05.

Conditions:
COL4A5-related disorder. Also called: COL4A5-related condition.
X-linked Alport syndrome (ATS1). Also called: COL4A5-Related Nephropathy; NEPHROPATHY AND DEAFNESS, X-LINKED. Identifiers: Orphanet 63, Orphanet 88917, MedGen C4746986, MONDO:0010520, OMIM 301050.

Allele frequency attached by ClinVar (database versions not stated): gnomAD exomes 0.00002 and 0.00008; gnomAD 0.00005; ExAC 0.00011; TOPMed 0.00012.

Submissions (4):

Labcorp Genetics (formerly Invitae), Labcorp
Classification: Benign. Last evaluated: 2026-01-05. Review status: criteria provided, single submitter. Criteria: Invitae Variant Classification Sherloc (09022015). Collection method: clinical testing. Allele origin: germline.

Blueprint Genetics
Classification: Likely benign. Last evaluated: 2024-04-09. Review status: criteria provided, single submitter. Criteria: ACMG Guidelines, 2015. Collection method: clinical testing. Allele origin: germline.

Department of Nephrology, Rheumatology and Immunology, Shanghai Children's Hospital
Classification: Uncertain significance for X-linked Alport syndrome. Last evaluated: 2014-09-07. Review status: criteria provided, single submitter. Criteria: ACMG Guidelines, 2015. Collection method: clinical testing. Allele origin: paternal. Affected: yes. Observed: 1 variant allele.
Comment: The NM_033380.3(COL4A5):c.262C>T (p.Pro88Ser) is a missense variant in COL4A5. This variant is reported to have an extremely low frequency in the gnomAD v3.1.2 (GRCh38) population database (PM2). Computational functional predictions are currently conflicting, with SIFT predicting 'tolerated' and PolyPhen predicting 'probably damaging' (PP3). This variant has been previously reported in the HGMD database in at least one individual with related clinical findings. In summary, this variant meets criteria to be classified as Uncertain Significance for Alport syndrome based on the ACMG/AMP 2015 criteria applied: PM2, PP1, PP3, PP4.

PreventionGenetics, part of Exact Sciences
Classification: Likely benign for COL4A5-related condition. Last evaluated: 2022-12-23. Review status: no assertion criteria provided. Collection method: clinical testing. Allele origin: germline. Not counted in ClinVar's aggregate classification.
Comment: This variant is classified as likely benign based on ACMG/AMP sequence variant interpretation guidelines (Richards et al. 2015 PMID: 25741868, with internal and published modifications).